The following is an entry in ClinVar:

ClinVar aggregate classification (germline): Conflicting classifications of pathogenicity. Review status: criteria provided, conflicting classifications (1 of 4 stars). 4 submissions from 4 submitters: Likely pathogenic (1); Uncertain significance (2). 1 of the submissions does not count toward it. Last evaluated 2024-03-26.

Conditions:
Breast-ovarian cancer, familial, susceptibility to, 4. Identifiers: Orphanet 145, MedGen C3280345, MONDO:0013669, OMIM 614291.
Hereditary cancer-predisposing syndrome. Also called: Neoplastic Syndromes, Hereditary; Tumor predisposition; Hereditary neoplastic syndrome; Hereditary Cancer Syndrome. Identifiers: Orphanet 140162, MedGen C0027672, MeSH D009386, MONDO:0015356.

Allele frequency attached by ClinVar (database versions not stated): gnomAD exomes below 0.00001.
gnomAD v4.1: 2 of 1,545,786 alleles (0.00013%); highest among the groups gnomAD compares: Non-Finnish European, 0.00018%; no homozygotes.

Submissions (4):

Ambry Genetics
Classification: Uncertain significance for Hereditary cancer-predisposing syndrome. Last evaluated: 2024-03-26. Review status: criteria provided, single submitter. Criteria: Ambry Variant Classification Scheme 2023. Collection method: clinical testing. Allele origin: germline.
Comment: The p.Q115H variant (also known as c.345G>C), located in coding exon 4 of the RAD51D gene, results from a G to C substitution at nucleotide position 345. The glutamine at codon 115 is replaced by histidine, an amino acid with highly similar properties. However, this change occurs in the last base pair of coding exon 4, which makes it likely to have some effect on normal mRNA splicing. This alteration has been identified in an individual diagnosed with ovarian cancer (Loveday C et al. Nat Genet, 2011 Aug;43:879-882). This nucleotide position is highly conserved in available vertebrate species. This amino acid position is highly conserved in available vertebrate species. In silico splice site analysis predicts that this alteration will weaken the native splice donor site; however, direct evidence is insufficient at this time (Ambry internal data). In addition, as a missense substitution this is predicted to be deleterious by in silico analysis. Since supporting evidence is limited at this time, the clinical significance of this alteration remains unclear.

Myriad Genetics, Inc.
Classification: Likely pathogenic for Breast-ovarian cancer, familial, susceptibility to, 4. Last evaluated: 2024-01-04. Review status: criteria provided, single submitter. Criteria: Myriad Autosomal Dominant, Autosomal Recessive and X-Linked Classification Criteria (2023). Collection method: clinical testing. Allele origin: unknown.
Comment: This variant is considered likely pathogenic. mRNA analysis has demonstrated abnormal mRNA splicing occurs [Myriad internal data]. This variant has been reported in multiple individuals with clinical features of gene-specific disease [PMID: 21822267].

Labcorp Genetics (formerly Invitae), Labcorp
Classification: Uncertain significance for Breast-ovarian cancer, familial, susceptibility to, 4. Last evaluated: 2019-11-01. Review status: criteria provided, single submitter. Criteria: Invitae Variant Classification Sherloc (09022015). Collection method: clinical testing. Allele origin: germline.
Comment: In summary, the available evidence is currently insufficient to determine the role of this variant in disease. Therefore, it has been classified as a Variant of Uncertain Significance. Nucleotide substitutions within the consensus splice site are a relatively common cause of aberrant splicing (PMID: 17576681, 9536098). Algorithms developed to predict the effect of sequence changes on RNA splicing suggest that this variant may disrupt the consensus splice site, but this prediction has not been confirmed by published transcriptional studies. Algorithms developed to predict the effect of missense changes on protein structure and function are either unavailable or do not agree on the potential impact of this missense change (SIFT: "Deleterious"; PolyPhen-2: "Probably Damaging"; Align-GVGD: "Class C15"). This variant has been observed in several individuals affected with ovarian cancer (PMID: 21822267). ClinVar contains an entry for this variant (Variation ID: 643598). This variant is not present in population databases (ExAC no frequency). This sequence change replaces glutamine with histidine at codon 115 of the RAD51D protein (p.Gln115His). The glutamine residue is highly conserved and there is a small physicochemical difference between glutamine and histidine. This variant also falls at the last nucleotide of exon 4 of the RAD51D coding sequence, which is part of the consensus splice site for this exon.

OMIM
Classification: risk factor for BREAST-OVARIAN CANCER, FAMILIAL, SUSCEPTIBILITY TO, 4. Last evaluated: 2011-08-07. Review status: no assertion criteria provided. Collection method: literature only. Allele origin: germline. Not counted in ClinVar's aggregate classification.

Literature cited by the submitters: PubMed 21822267 (cited by 4 submitters); PubMed 17576681 (cited by Labcorp Genetics (formerly Invitae), Labcorp); PubMed 9536098 (cited by Labcorp Genetics (formerly Invitae), Labcorp).

NM_002878.4(RAD51D):c.345G>C (p.Gln115His)

Genes: RAD51D (RAD51 paralog D; minus strand), RAD51L3-RFFL (RAD51L3-RFFL readthrough; minus strand). Cytogenetic location: 17q12.
Variant type: single nucleotide variant.
Coding change: c.345G>C on transcript NM_002878.4 (MANE Select); coding-DNA position 345, G replaced by C.
Protein change: p.Gln115His; replaces glutamine 115 with histidine.
Molecular consequence: missense variant. On other transcripts: non-coding transcript variant (2), intron variant (1).
Genome position (GRCh38, 1-based): chr17:35,107,366, C>G on the plus strand (G>C on the coding strand, the complement: RAD51D is on the minus strand). VCF-style: chr17-35107366-C-G. GRCh37 (hg19) VCF-style: chr17-33434385-C-G.
Other names: c.405G>C, p.Gln135His (NM_001142571.2); c.145-885G>C (NM_133629.3); short protein forms Q115H, Q135H.
Identifiers: ClinVar variation 643598 (VCV000643598.13), dbSNP rs1555568469, ClinGen allele CA399089880.